The following is an entry in ClinVar:

ClinVar aggregate classification (germline): Uncertain significance (1 of 4 stars; one submission).

Conditions:
Mosaic variegated aneuploidy syndrome 1 (MVA1). Also called: Warburton-Anyane-Yeboa syndrome. Identifiers: Orphanet 1052, MedGen C1850343, MONDO:0009759, OMIM 257300.

Submission:

Labcorp Genetics (formerly Invitae), Labcorp
Classification: Uncertain significance for Mosaic variegated aneuploidy syndrome 1. Last evaluated: 2022-11-25. Review status: criteria provided, single submitter. Criteria: Invitae Variant Classification Sherloc (09022015). Collection method: clinical testing. Allele origin: germline.
Comment: In summary, the available evidence is currently insufficient to determine the role of this variant in disease. Therefore, it has been classified as a Variant of Uncertain Significance. Experimental studies and prediction algorithms are not available or were not evaluated, and the functional significance of this variant is currently unknown. This variant has not been reported in the literature in individuals affected with BUB1B-related conditions. This variant is not present in population databases (gnomAD no frequency). This variant, c.1983_1994del, results in the deletion of 4 amino acid(s) of the BUB1B protein (p.Gln662_Ser665del), but otherwise preserves the integrity of the reading frame.

NM_001211.6(BUB1B):c.1983_1994del (p.Gln662_Ser665del)

Gene: BUB1B (BUB1 mitotic checkpoint serine/threonine kinase B; plus strand). Cytogenetic location: 15q15.1.
Variant type: Deletion.
Coding change: c.1983_1994del on transcript NM_001211.6 (MANE Select); coding-DNA positions 1983 to 1994, 12 bases deleted (TCAGACTCTCAG).
Protein change: p.Gln662_Ser665del.
Molecular consequence: inframe deletion.
Genome position (GRCh38, 1-based): chr15:40,206,432-40,206,443, TCAGACTCTCAG deleted; deleting any 12 consecutive bases within chr15:40,206,429-40,206,443 gives the same sequence; the c. name uses the placement nearest the transcript's 3' end. VCF-style (leftmost placement, unchanged base first): chr15-40206428-ACAGTCAGACTCT-A. GRCh37 (hg19) VCF-style: chr15-40498629-ACAGTCAGACTCT-A.
Identifiers: ClinVar variation 2816596 (VCV002816596.3), dbSNP rs2542565167, ClinGen allele CA2627773174.